The following is an entry in ClinVar:

ClinVar aggregate classification (germline): Uncertain significance (1 of 4 stars; one submission).

Submission:

GeneDx
Classification: Uncertain significance. Last evaluated: 2024-03-27. Review status: criteria provided, single submitter. Criteria: GeneDx Variant Classification Process June 2021. Collection method: clinical testing. Allele origin: germline. Affected: yes.
Comment: Not observed at significant frequency in large population cohorts (gnomAD); In silico analysis supports that this missense variant has a deleterious effect on protein structure/function; Has not been previously published as pathogenic or benign to our knowledge

NM_001162501.2(TNRC6B):c.3650C>T (p.Pro1217Leu)

Gene: TNRC6B (trinucleotide repeat containing adaptor 6B; plus strand). Cytogenetic location: 22q13.1.
Variant type: single nucleotide variant.
Coding change: c.3650C>T on transcript NM_001162501.2 (MANE Select); coding-DNA position 3650, C replaced by T.
Protein change: p.Pro1217Leu; replaces proline 1217 with leucine.
Molecular consequence: missense variant.
Genome position (GRCh38, 1-based): chr22:40,285,712, C>T. VCF-style: chr22-40285712-C-T. GRCh37 (hg19) VCF-style: chr22-40681716-C-T.
Other names: c.1238C>T, p.Pro413Leu (NM_001024843.2); c.3320C>T, p.Pro1107Leu (NM_015088.3); short protein forms P1107L, P1217L, P413L.
Identifiers: ClinVar variation 3371462 (VCV003371462.1).